The following is an entry in ClinVar:

NM_201550.4(LRRC10):c.25G>A (p.Val9Met)

Gene: LRRC10 (leucine rich repeat containing 10; minus strand). Cytogenetic location: 12q15.
Variant type: single nucleotide variant.
Coding change: c.25G>A on transcript NM_201550.4 (MANE Select); coding-DNA position 25, G replaced by A.
Protein change: p.Val9Met; replaces valine 9 with methionine.
Molecular consequence: missense variant.
Genome position (GRCh38, 1-based): chr12:69,610,814, C>T on the plus strand (G>A on the coding strand, the complement: LRRC10 is on the minus strand). VCF-style: chr12-69610814-C-T. GRCh37 (hg19) VCF-style: chr12-70004594-C-T.
Other names: c.25G>A (NM_201550.2); short protein forms V9M.
Identifiers: ClinVar variation 570167 (VCV000570167.9), dbSNP rs572910562, ClinGen allele CA6681156.

ClinVar aggregate classification (germline): Uncertain significance. Review status: criteria provided, multiple submitters, no conflicts (2 of 4 stars). 2 submissions from 2 submitters: Uncertain significance (2). Last evaluated 2026-01-15.

Allele frequency attached by ClinVar (database versions not stated): 1000 Genomes Project 0.00020; TOPMed 0.00003; gnomAD 0.00003 and 0.00002; gnomAD exomes 0.00003; ExAC 0.00005; 1000 Genomes Project 30x 0.00016.
gnomAD v4.1: 50 of 1,609,472 alleles (0.0031%); highest among the groups gnomAD compares: Non-Finnish European, 0.0041%; no homozygotes.

Submissions (2):

Labcorp Genetics (formerly Invitae), Labcorp
Classification: Uncertain significance. Last evaluated: 2026-01-15. Review status: criteria provided, single submitter. Criteria: Invitae Variant Classification Sherloc (09022015). Collection method: clinical testing. Allele origin: germline.
Comment: This sequence change replaces valine, which is neutral and non-polar, with methionine, which is neutral and non-polar, at codon 9 of the LRRC10 protein (p.Val9Met). This variant is present in population databases (rs572910562, gnomAD 0.007%). This variant has not been reported in the literature in individuals affected with LRRC10-related conditions. ClinVar contains an entry for this variant (Variation ID: 570167). An algorithm developed to predict the effect of missense changes on protein structure and function outputs the following: PolyPhen-2: "Benign". The methionine amino acid residue is found in multiple mammalian species, which suggests that this missense change does not adversely affect protein function. In summary, the available evidence is currently insufficient to determine the role of this variant in disease. Therefore, it has been classified as a Variant of Uncertain Significance.

Ambry Genetics
Classification: Uncertain significance. Last evaluated: 2025-10-02. Review status: criteria provided, single submitter. Criteria: Ambry Variant Classification Scheme 2023. Collection method: clinical testing. Allele origin: germline.